The following is an entry in ClinVar:

NM_016030.6(TRAPPC12):c.1164+3A>G

Gene: TRAPPC12 (trafficking protein particle complex subunit 12; plus strand). Cytogenetic location: 2p25.3.
Variant type: single nucleotide variant.
Coding change: c.1164+3A>G on transcript NM_016030.6 (MANE Select); 3 bases into the intron after coding-DNA position 1164, A replaced by G.
Molecular consequence: intron variant.
Genome position (GRCh38, 1-based): chr2:3,401,896, A>G. VCF-style: chr2-3401896-A-G. GRCh37 (hg19) VCF-style: chr2-3405667-A-G.
Other names: c.1164+3A>G (NM_001321102.2, NM_016030.5).
Identifiers: ClinVar variation 1600643 (VCV001600643.11), dbSNP rs115767701, ClinGen allele CA1515312.
Genomic context (GRCh38, chr2:3,401,896, plus strand): 5'-ACAAGTCCTAAATGCCGACTCAGTGGAACAATCTTTTGTTGGATTGAAACAGCTAATCGT[A>G]AGTGACAATGTGTTTGATTTCAGTGTTGTTTTGTGATAAGTCCTGCCTGCCTTCATAATA-3'

ClinVar aggregate classification (germline): Benign. Review status: criteria provided, multiple submitters, no conflicts (2 of 4 stars). 3 submissions from 3 submitters: Benign (2). 1 of the submissions does not count toward it. Last evaluated 2026-02-03.

Conditions:
TRAPPC12-related disorder. Also called: TRAPPC12-related condition.

Allele frequency attached by ClinVar (database versions not stated): gnomAD exomes 0.00088 and 0.00247; ExAC 0.00294; 1000 Genomes Project 0.00759; 1000 Genomes Project 30x 0.00796; gnomAD 0.00913 and 0.00992; TOPMed 0.01019; ESP Exome Variant Server 0.01146.
gnomAD v4.1: 2,713 of 1,565,296 alleles (0.17%); highest among the groups gnomAD compares: African/African-American, 3.3%; 39 homozygotes.

Submissions (3):

Labcorp Genetics (formerly Invitae), Labcorp
Classification: Benign. Last evaluated: 2026-02-03. Review status: criteria provided, single submitter. Criteria: Invitae Variant Classification Sherloc (09022015). Collection method: clinical testing. Allele origin: germline.

Breakthrough Genomics
Classification: Benign. Review status: criteria provided, single submitter. Criteria: ACMG Guidelines, 2015. Collection method: not provided. Allele origin: germline. Inheritance: Autosomal recessive inheritance. Affected: yes.

PreventionGenetics, part of Exact Sciences
Classification: Benign for TRAPPC12-related condition. Last evaluated: 2019-06-06. Review status: no assertion criteria provided. Collection method: clinical testing. Allele origin: germline. Not counted in ClinVar's aggregate classification.
Comment: This variant is classified as benign based on ACMG/AMP sequence variant interpretation guidelines (Richards et al. 2015 PMID: 25741868, with internal and published modifications).